The following is an entry in ClinVar:

NM_001130987.2(DYSF):c.5169C>A (p.Tyr1723Ter)

Gene: DYSF (dysferlin; plus strand). Cytogenetic location: 2p13.2.
Variant type: single nucleotide variant.
Coding change: c.5169C>A on transcript NM_001130987.2 (MANE Select); coding-DNA position 5169, C replaced by A.
Protein change: p.Tyr1723Ter; replaces tyrosine 1723 with a stop codon.
Molecular consequence: nonsense.
Genome position (GRCh38, 1-based): chr2:71,664,433, C>A. VCF-style: chr2-71664433-C-A. GRCh37 (hg19) VCF-style: chr2-71891563-C-A.
Other names: c.5055C>A, p.Tyr1685Ter (NM_001130455.2); c.5106C>A, p.Tyr1702Ter (NM_001130985.2); c.5013C>A, p.Tyr1671Ter (NM_001130986.2); c.5010C>A, p.Tyr1670Ter (NM_001130976.2); c.5073C>A, p.Tyr1691Ter (NM_001130977.2); c.5115C>A, p.Tyr1705Ter (NM_001130978.2); c.5145C>A, p.Tyr1715Ter (NM_001130979.2); c.5103C>A, p.Tyr1701Ter (NM_001130980.2); and 5 more; short protein forms Y1706*, Y1722*, Y1691*, Y1692*, Y1701*, Y1705*, Y1723*, Y1671*.
Identifiers: ClinVar variation 2096184 (VCV002096184.4), dbSNP rs2546541049, ClinGen allele CA347220671.
Genomic context (GRCh38, chr2:71,664,433, plus strand): 5'-CGACCTGGAGAACAGGCTGCTGTCCAAGTTTGGGGCTCGCTGTGGACTCCCACAGACCTA[C>A]TGTGTGTACGTGGATGGGGGCTGGCTGCCTGCTTCTCTGACAACACACCACCCCTGTCTT-3'

ClinVar aggregate classification (germline): Pathogenic (1 of 4 stars; one submission).

Conditions:
Neuromuscular disease caused by qualitative or quantitative defects of dysferlin. Also called: Dysferlinopathy; Qualitative or quantitative defects of dysferlin. Identifiers: Orphanet 207073, MedGen C2931687, MONDO:0016145.

Submission:

Labcorp Genetics (formerly Invitae), Labcorp
Classification: Pathogenic for Neuromuscular disease caused by qualitative or quantitative defects of dysferlin. Last evaluated: 2022-02-10. Review status: criteria provided, single submitter. Criteria: Invitae Variant Classification Sherloc (09022015). Collection method: clinical testing. Allele origin: germline.
Comment: For these reasons, this variant has been classified as Pathogenic. This variant has not been reported in the literature in individuals affected with DYSF-related conditions. This variant is not present in population databases (gnomAD no frequency). This sequence change creates a premature translational stop signal (p.Tyr1684*) in the DYSF gene. It is expected to result in an absent or disrupted protein product. Loss-of-function variants in DYSF are known to be pathogenic (PMID: 17698709, 20301480).

Literature cited by the submitters: PubMed 17698709; PubMed 20301480.